The following is an entry in ClinVar:

ClinVar aggregate classification (germline): Uncertain significance. Review status: criteria provided, multiple submitters, no conflicts (2 of 4 stars). 2 submissions from 2 submitters: Uncertain significance (2). Last evaluated 2025-07-12.

Conditions:
Dyskeratosis congenita, autosomal dominant 2. Identifiers: MedGen C3151443, MONDO:0013521, OMIM 613989.
Idiopathic Pulmonary Fibrosis. Also called: Idiopathic fibrosing alveolitis, chronic form; idiopathic fibrosing alveolitis. Identifiers: Orphanet 2032, MedGen C1800706, MeSH D054990, MONDO:0800504.
Dyskeratosis congenita. Identifiers: Orphanet 1775, MedGen C0265965, MONDO:0015780.

Submissions (2):

Ambry Genetics
Classification: Uncertain significance for Dyskeratosis congenita. Last evaluated: 2025-07-12. Review status: criteria provided, single submitter. Criteria: Ambry Variant Classification Scheme 2023. Collection method: clinical testing. Allele origin: germline.
Comment: The p.G641R variant (also known as c.1921G>C), located in coding exon 4 of the TERT gene, results from a G to C substitution at nucleotide position 1921. The glycine at codon 641 is replaced by arginine, an amino acid with dissimilar properties. This amino acid position is conserved. In addition, the in silico prediction for this alteration is inconclusive. Based on the available evidence, the clinical significance of this variant remains unclear.

Labcorp Genetics (formerly Invitae), Labcorp
Classification: Uncertain significance for Dyskeratosis congenita, autosomal dominant 2; Idiopathic Pulmonary Fibrosis. Last evaluated: 2023-09-22. Review status: criteria provided, single submitter. Criteria: Invitae Variant Classification Sherloc (09022015). Collection method: clinical testing. Allele origin: germline.
Comment: This sequence change replaces glycine, which is neutral and non-polar, with arginine, which is basic and polar, at codon 641 of the TERT protein (p.Gly641Arg). This variant is not present in population databases (gnomAD no frequency). This variant has not been reported in the literature in individuals affected with TERT-related conditions. Advanced modeling of protein sequence and biophysical properties (such as structural, functional, and spatial information, amino acid conservation, physicochemical variation, residue mobility, and thermodynamic stability) performed at Invitae indicates that this missense variant is expected to disrupt TERT protein function. In summary, the available evidence is currently insufficient to determine the role of this variant in disease. Therefore, it has been classified as a Variant of Uncertain Significance.

NM_198253.3(TERT):c.1921G>C (p.Gly641Arg)

Gene: TERT (telomerase reverse transcriptase; minus strand). Cytogenetic location: 5p15.33.
Variant type: single nucleotide variant.
Coding change: c.1921G>C on transcript NM_198253.3 (MANE Select); coding-DNA position 1921, G replaced by C.
Protein change: p.Gly641Arg; replaces glycine 641 with arginine.
Molecular consequence: missense variant. On other transcripts: non-coding transcript variant (2).
Genome position (GRCh38, 1-based): chr5:1,280,187, C>G on the plus strand (G>C on the coding strand, the complement: TERT is on the minus strand). VCF-style: chr5-1280187-C-G. GRCh37 (hg19) VCF-style: chr5-1280302-C-G.
Other names: c.1921G>C, p.Gly641Arg (NM_001193376.3, NM_003219.1); short protein forms G641R.
Identifiers: ClinVar variation 2926395 (VCV002926395.4), dbSNP rs2478284121, ClinGen allele CA359081169.
Genomic context (GRCh38, chr5:1,280,187, plus strand): 5'-TAAAAAGGAAGTTAAACCAAAGCACAGCCACCCTCTTTTCTCTGCGGAACGTTCTGGCTC[C>G]CACGACGTAGTCCATGTTCACAATCGGCCGCAGCCCGTCAGGCTTGGGGATGAAGCGGAG-3'
Protein context (NP_937983.2, residues 631-651): RPIVNMDYVV[Gly641Arg]ARTFRREKRA